The following is an entry in ClinVar:

ClinVar aggregate classification (germline): Uncertain significance (1 of 4 stars; one submission).

Allele frequency attached by ClinVar (database versions not stated): gnomAD 0.00001; gnomAD exomes 0.00001; TOPMed 0.00001; ExAC 0.00002.
gnomAD v4.1: 14 of 1,610,084 alleles (0.00087%); highest among the groups gnomAD compares: Non-Finnish European, 0.0012%; no homozygotes.

Submission:

Labcorp Genetics (formerly Invitae), Labcorp
Classification: Uncertain significance. Last evaluated: 2023-09-12. Review status: criteria provided, single submitter. Criteria: Invitae Variant Classification Sherloc (09022015). Collection method: clinical testing. Allele origin: germline.
Comment: This sequence change replaces alanine, which is neutral and non-polar, with valine, which is neutral and non-polar, at codon 917 of the SLIT2 protein (p.Ala917Val). This variant is present in population databases (rs746020695, gnomAD 0.004%). This variant has not been reported in the literature in individuals affected with SLIT2-related conditions. An algorithm developed to predict the effect of missense changes on protein structure and function (PolyPhen-2) suggests that this variant is likely to be tolerated. In summary, the available evidence is currently insufficient to determine the role of this variant in disease. Therefore, it has been classified as a Variant of Uncertain Significance.

NM_004787.4(SLIT2):c.2750C>T (p.Ala917Val)

Gene: SLIT2 (slit guidance ligand 2; plus strand). Cytogenetic location: 4p15.31.
Variant type: single nucleotide variant.
Coding change: c.2750C>T on transcript NM_004787.4 (MANE Select); coding-DNA position 2750, C replaced by T.
Protein change: p.Ala917Val; replaces alanine 917 with valine.
Molecular consequence: missense variant.
Genome position (GRCh38, 1-based): chr4:20,567,286, C>T. VCF-style: chr4-20567286-C-T. GRCh37 (hg19) VCF-style: chr4-20568909-C-T.
Other names: c.2738C>T, p.Ala913Val (NM_001289135.3); c.2726C>T, p.Ala909Val (NM_001289136.3); short protein forms A909V, A913V, A917V.
Identifiers: ClinVar variation 2983339 (VCV002983339.3), dbSNP rs746020695, ClinGen allele CA2871933.